The following is an entry in ClinVar:

ClinVar aggregate classification (germline): Pathogenic (1 of 4 stars; one submission).

Conditions:
Hereditary cancer-predisposing syndrome. Also called: Neoplastic Syndromes, Hereditary; Hereditary Cancer Syndrome; Tumor predisposition; Hereditary neoplastic syndrome. Identifiers: Orphanet 140162, MedGen C0027672, MeSH D009386, MONDO:0015356.

Submission:

Ambry Genetics
Classification: Pathogenic for Hereditary cancer-predisposing syndrome. Last evaluated: 2015-10-08. Review status: criteria provided, single submitter. Criteria: Ambry Variant Classification Scheme 2023. Collection method: clinical testing. Allele origin: germline.
Comment: The c.7262_7263delAA pathogenic mutation, located in coding exon 48 of the ATM gene, results from a deletion of two nucleotides between nucleotide positions 7262 and 7263, causing a translational frameshift with a predicted alternate stop codon. Since frameshifts are typically deleterious in nature, this alteration is interpreted as a disease-causing mutation (ACMG Recommendations for Standards for Interpretation and Reporting of Sequence Variations. Revision 2007. Genet Med. 2008;10:294).

NM_000051.4(ATM):c.7262_7263del (p.Lys2421fs)

Genes: ATM (ATM serine/threonine kinase; plus strand), C11orf65 (chromosome 11 open reading frame 65; minus strand). Cytogenetic location: 11q22.3.
Variant type: Deletion.
Coding change: c.7262_7263del on transcript NM_000051.4 (MANE Select); coding-DNA positions 7262 to 7263, 2 bases deleted (AA; older notation c.7262_7263delAA).
Protein change: p.Lys2421fs; shifts the reading frame from lysine 2421.
Molecular consequence: frameshift variant. On other transcripts: intron variant (2).
Genome position (GRCh38, 1-based): chr11:108,329,193-108,329,194, AA deleted; deleting any 2 consecutive bases within chr11:108,329,192-108,329,194 gives the same sequence; the c. name uses the placement nearest the transcript's 3' end. VCF-style (leftmost placement, unchanged base first): chr11-108329191-CAA-C. GRCh37 (hg19) VCF-style: chr11-108199918-CAA-C.
Other names: c.7262_7263del, p.Lys2421fs (NM_001351834.2); c.641-20122_641-20121del (NM_001330368.2); c.*38+6027_*38+6028del (NM_001351110.2); short protein forms K2421fs.
Identifiers: ClinVar variation 429073 (VCV000429073.7), dbSNP rs1131691157, ClinGen allele CA645369502.